The following is an entry in ClinVar:

ClinVar aggregate classification (germline): Likely benign. Review status: criteria provided, multiple submitters, no conflicts (2 of 4 stars). 2 submissions from 2 submitters: Likely benign (2). Last evaluated 2025-11-01.

gnomAD v4.1: 1 of 1,552,670 alleles (0.000064%); highest among the groups gnomAD compares: Admixed American, 0.0018%; no homozygotes.

Submissions (2):

CeGaT Center for Human Genetics Tuebingen
Classification: Likely benign. Last evaluated: 2025-11-01. Review status: criteria provided, single submitter. Criteria: CeGaT Center For Human Genetics Tuebingen Variant Classification Criteria Version 2. Collection method: clinical testing. Allele origin: germline. Affected: yes. Observed: 1 variant allele.
Comment: CHD8: BP4, BP7

Labcorp Genetics (formerly Invitae), Labcorp
Classification: Likely benign. Last evaluated: 2024-03-12. Review status: criteria provided, single submitter. Criteria: Invitae Variant Classification Sherloc (09022015). Collection method: clinical testing. Allele origin: germline.

NM_001170629.2(CHD8):c.7179A>G (p.Lys2393=)

Gene: CHD8 (chromodomain helicase DNA binding protein 8; minus strand). Cytogenetic location: 14q11.2.
Variant type: single nucleotide variant.
Coding change: c.7179A>G on transcript NM_001170629.2 (MANE Select); coding-DNA position 7179, A replaced by G.
Protein change: p.Lys2393=; no amino-acid change (lysine 2393 retained).
Molecular consequence: synonymous variant.
Genome position (GRCh38, 1-based): chr14:21,390,950, T>C on the plus strand (A>G on the coding strand, the complement: CHD8 is on the minus strand). VCF-style: chr14-21390950-T-C. GRCh37 (hg19) VCF-style: chr14-21859109-T-C.
Other names: c.6342A>G, p.Lys2114= (NM_020920.4).
Identifiers: ClinVar variation 3696360 (VCV003696360.8).